The following is an entry in ClinVar:

ClinVar aggregate classification (germline): Uncertain significance (1 of 4 stars; one submission).

Conditions:
Perlman syndrome (PRLMNS). Identifiers: Orphanet 2849, MedGen C0796113, MONDO:0009965, OMIM 267000.

Allele frequency attached by ClinVar (database versions not stated): gnomAD exomes 0.00001.
gnomAD v4.1: 5 of 1,614,126 alleles (0.00031%); highest among the groups gnomAD compares: South Asian, 0.0011%; no homozygotes.

Submission:

Labcorp Genetics (formerly Invitae), Labcorp
Classification: Uncertain significance for Perlman syndrome. Last evaluated: 2024-01-21. Review status: criteria provided, single submitter. Criteria: Invitae Variant Classification Sherloc (09022015). Collection method: clinical testing. Allele origin: germline.
Comment: This sequence change replaces arginine, which is basic and polar, with glycine, which is neutral and non-polar, at codon 40 of the DIS3L2 protein (p.Arg40Gly). This variant is not present in population databases (gnomAD no frequency). This variant has not been reported in the literature in individuals affected with DIS3L2-related conditions. ClinVar contains an entry for this variant (Variation ID: 662249). An algorithm developed to predict the effect of missense changes on protein structure and function (PolyPhen-2) suggests that this variant is likely to be tolerated. In summary, the available evidence is currently insufficient to determine the role of this variant in disease. Therefore, it has been classified as a Variant of Uncertain Significance.

NM_152383.5(DIS3L2):c.118A>G (p.Arg40Gly)

Gene: DIS3L2 (DIS3 like 3'-5' exoribonuclease 2; plus strand). Cytogenetic location: 2q37.1.
Variant type: single nucleotide variant.
Coding change: c.118A>G on transcript NM_152383.5 (MANE Select); coding-DNA position 118, A replaced by G.
Protein change: p.Arg40Gly; replaces arginine 40 with glycine.
Molecular consequence: missense variant. On other transcripts: non-coding transcript variant (2).
Genome position (GRCh38, 1-based): chr2:232,015,579, A>G. VCF-style: chr2-232015579-A-G. GRCh37 (hg19) VCF-style: chr2-232880289-A-G.
Other names: c.118A>G, p.Arg40Gly (NM_001257281.2, NM_001257282.2); short protein forms R40G.
Identifiers: ClinVar variation 662249 (VCV000662249.8), dbSNP rs1574812741, ClinGen allele CA351151937.
Genomic context (GRCh38, chr2:232,015,579, plus strand): 5'-TCTGCTGTGGCTGGTCCACATGACATTGGTGCTTCGCCAGGTGACAAAAAGTCAAAGAAC[A>G]GGTCCACACGAGGGAAGAAAAAGAGCATATTTGAAACTTACATGTCCAAGGAGGATGTTT-3'
Protein context (NP_689596.4, residues 30-50): ASPGDKKSKN[Arg40Gly]STRGKKKSIF